The following is an entry in ClinVar:

NM_001367549.1(ATP13A3):c.2602A>G (p.Ile868Val)

Gene: ATP13A3 (ATPase 13A3; minus strand). Cytogenetic location: 3q29.
Variant type: single nucleotide variant.
Coding change: c.2602A>G on transcript NM_001367549.1 (MANE Select); coding-DNA position 2602, A replaced by G.
Protein change: p.Ile868Val; replaces isoleucine 868 with valine.
Molecular consequence: missense variant. On other transcripts: non-coding transcript variant (2).
Genome position (GRCh38, 1-based): chr3:194,430,965, T>C on the plus strand (A>G on the coding strand, the complement: ATP13A3 is on the minus strand). VCF-style: chr3-194430965-T-C. GRCh37 (hg19) VCF-style: chr3-194151694-T-C.
Other names: c.2521A>G, p.Ile841Val (NM_001374836.1); c.2602A>G, p.Ile868Val (NM_024524.4); short protein forms I841V, I868V.
Identifiers: ClinVar variation 3695228 (VCV003695228.2).

ClinVar aggregate classification (germline): Uncertain significance (1 of 4 stars; one submission).

gnomAD v4.1: 9 of 1,612,382 alleles (0.00056%); highest among the groups gnomAD compares: Non-Finnish European, 0.00076%; no homozygotes.

Submission:

Labcorp Genetics (formerly Invitae), Labcorp
Classification: Uncertain significance. Last evaluated: 2024-04-30. Review status: criteria provided, single submitter. Criteria: Invitae Variant Classification Sherloc (09022015). Collection method: clinical testing. Allele origin: germline.
Comment: This sequence change replaces isoleucine, which is neutral and non-polar, with valine, which is neutral and non-polar, at codon 868 of the ATP13A3 protein (p.Ile868Val). This variant is not present in population databases (gnomAD no frequency). This variant has not been reported in the literature in individuals affected with ATP13A3-related conditions. Algorithms developed to predict the effect of missense changes on protein structure and function output the following: SIFT: "Not Available"; PolyPhen-2: "Benign"; Align-GVGD: "Not Available". The valine amino acid residue is found in multiple mammalian species, which suggests that this missense change does not adversely affect protein function. In summary, the available evidence is currently insufficient to determine the role of this variant in disease. Therefore, it has been classified as a Variant of Uncertain Significance.